The following is an entry in ClinVar:

ClinVar aggregate classification (germline): Uncertain significance. Review status: criteria provided, multiple submitters, no conflicts (2 of 4 stars). 2 submissions from 2 submitters: Uncertain significance (2). Last evaluated 2025-10-30.

Conditions:
Gorlin syndrome. Also called: Nevoid Basal Cell Carcinoma Syndrome; Basal cell nevus syndrome. Identifiers: Orphanet 377, MedGen C0004779, MONDO:0007187.
Medulloblastoma (MDB). Also called: MEDULLOBLASTOMA PREDISPOSITION SYNDROME; Medulloblastoma, somatic. Identifiers: Orphanet 616, MedGen C0025149, MeSH D008527, MONDO:0007959, OMIM 155255, HP:0002885.
Hereditary cancer-predisposing syndrome. Also called: Hereditary neoplastic syndrome; Tumor predisposition; Neoplastic Syndromes, Hereditary; Hereditary Cancer Syndrome. Identifiers: Orphanet 140162, MedGen C0027672, MeSH D009386, MONDO:0015356.

Allele frequency attached by ClinVar (database versions not stated): gnomAD exomes below 0.00001; ExAC 0.00001.
gnomAD v4.1: 1 of 1,614,206 alleles (0.000062%); highest among the groups gnomAD compares: Non-Finnish European, 0.000085%; no homozygotes.

Submissions (2):

Labcorp Genetics (formerly Invitae), Labcorp
Classification: Uncertain significance for Gorlin syndrome; Medulloblastoma. Last evaluated: 2025-10-30. Review status: criteria provided, single submitter. Criteria: Invitae Variant Classification Sherloc (09022015). Collection method: clinical testing. Allele origin: germline.
Comment: This sequence change replaces serine, which is neutral and polar, with asparagine, which is neutral and polar, at codon 114 of the SUFU protein (p.Ser114Asn). This variant is present in population databases (rs781192849, gnomAD 0.0009%). This variant has not been reported in the literature in individuals affected with SUFU-related conditions. ClinVar contains an entry for this variant (Variation ID: 857150). Invitae Evidence Modeling of protein sequence and biophysical properties (such as structural, functional, and spatial information, amino acid conservation, physicochemical variation, residue mobility, and thermodynamic stability) indicates that this missense variant is expected to disrupt SUFU protein function with a positive predictive value of 80%. In summary, the available evidence is currently insufficient to determine the role of this variant in disease. Therefore, it has been classified as a Variant of Uncertain Significance.

Ambry Genetics
Classification: Uncertain significance for Hereditary cancer-predisposing syndrome. Last evaluated: 2025-01-07. Review status: criteria provided, single submitter. Criteria: Ambry Variant Classification Scheme 2023. Collection method: clinical testing. Allele origin: germline.
Comment: The p.S114N variant (also known as c.341G>A), located in coding exon 3 of the SUFU gene, results from a G to A substitution at nucleotide position 341. The serine at codon 114 is replaced by asparagine, an amino acid with highly similar properties. This amino acid position is conserved. In addition, the in silico prediction for this alteration is inconclusive. Based on the available evidence, the clinical significance of this variant remains unclear.

NM_016169.4(SUFU):c.341G>A (p.Ser114Asn)

Gene: SUFU (SUFU negative regulator of hedgehog signaling; plus strand). Cytogenetic location: 10q24.32.
Variant type: single nucleotide variant.
Coding change: c.341G>A on transcript NM_016169.4 (MANE Select); coding-DNA position 341, G replaced by A.
Protein change: p.Ser114Asn; replaces serine 114 with asparagine.
Molecular consequence: missense variant.
Genome position (GRCh38, 1-based): chr10:102,549,993, G>A. VCF-style: chr10-102549993-G-A. GRCh37 (hg19) VCF-style: chr10-104309750-G-A.
Other names: c.341G>A, p.Ser114Asn (NM_001178133.2); short protein forms S114N.
Identifiers: ClinVar variation 857150 (VCV000857150.11), dbSNP rs781192849, ClinGen allele CA5667660.
Genomic context (GRCh38, chr10:102,549,993, plus strand): 5'-AATTGAGCTTAAAACACTTGCTTTTTATGTCTTTCAGGTTTACAGGAACAGATGGACCTA[G>A]TGGTTTTGGCTTTGAGTTGACCTTTCGTCTGAAGAGAGAAACTGGGGAGTCTGCCCCACC-3'
Protein context (NP_057253.2, residues 104-124): VHEFTGTDGP[Ser114Asn]GFGFELTFRL